The following is an entry in ClinVar:

NM_001374828.1(ARID1B):c.725A>G (p.His242Arg)

Genes: ARID1B (AT-rich interaction domain 1B; plus strand), LOC115308161 (uncharacterized LOC115308161; minus strand), LOC129997525 (ATAC-STARR-seq lymphoblastoid silent region 17712; plus strand). Cytogenetic location: 6q25.3.
Variant type: single nucleotide variant.
Coding change: c.725A>G on transcript NM_001374828.1 (MANE Select); coding-DNA position 725, A replaced by G.
Protein change: p.His242Arg; replaces histidine 242 with arginine.
Molecular consequence: missense variant. On other transcripts: non-coding transcript variant (1).
Genome position (GRCh38, 1-based): chr6:156,778,405, A>G. VCF-style: chr6-156778405-A-G. GRCh37 (hg19) VCF-style: chr6-157099539-A-G.
Other names: c.476A>G, p.His159Arg (NM_001346813.1, NM_020732.3); c.725A>G, p.His242Arg (NM_001371656.1, NM_001374820.1, NM_017519.3); c.302A>G, p.His101Arg (NM_175863.2); short protein forms H101R, H159R, H242R.
Identifiers: ClinVar variation 2258990 (VCV002258990.3), dbSNP rs1410863573, ClinGen allele CA366381972.

ClinVar aggregate classification (germline): Uncertain significance. Review status: criteria provided, multiple submitters, no conflicts (2 of 4 stars). 2 submissions from 2 submitters: Uncertain significance (2). Last evaluated 2025-10-30.

Conditions:
Inborn genetic diseases. Identifiers: MedGen C0950123, MeSH D030342.

gnomAD v4.1: 5 of 1,531,648 alleles (0.00033%); highest among the groups gnomAD compares: Non-Finnish European, 0.00035%; no homozygotes.

Submissions (2):

Dasa
Classification: Uncertain significance. Last evaluated: 2025-10-30. Review status: criteria provided, single submitter. Criteria: DASA Assertion Criteria. Collection method: clinical testing. Allele origin: germline.
Comment: NM_001374828.1(ARID1B):c.725A>G (p.His242Arg) is a missense variant that results in the substitution of histidine with arginine. Multiple computational predictions suggest no deleterious effect on the gene or gene product. The variant is present at low frequency in population datasets. Based on the available data, this variant is classified as variant of uncertain significance.

Ambry Genetics
Classification: Uncertain significance for Inborn genetic diseases. Last evaluated: 2021-11-05. Review status: criteria provided, single submitter. Criteria: Ambry Variant Classification Scheme 2023. Collection method: clinical testing. Allele origin: germline.